The following is an entry in ClinVar:

NM_001330260.2(SCN8A):c.291A>G (p.Leu97=)

Gene: SCN8A (sodium voltage-gated channel alpha subunit 8; plus strand). Cytogenetic location: 12q13.13.
Variant type: single nucleotide variant.
Coding change: c.291A>G on transcript NM_001330260.2 (MANE Select); coding-DNA position 291, A replaced by G.
Protein change: p.Leu97=; no amino-acid change (leucine 97 retained).
Molecular consequence: synonymous variant.
Genome position (GRCh38, 1-based): chr12:51,684,188, A>G. VCF-style: chr12-51684188-A-G. GRCh37 (hg19) VCF-style: chr12-52077972-A-G.
Other names: c.291A>G, p.Leu97= (NM_001177984.3, NM_001369788.1, NM_014191.4).
Identifiers: ClinVar variation 2112123 (VCV002112123.4), dbSNP rs2138707920, ClinGen allele CA480021299.

ClinVar aggregate classification (germline): Uncertain significance (1 of 4 stars; one submission).

Conditions:
Early-infantile DEE. Also called: Early infantile epileptic encephalopathy; Early infantile epileptic encephalopathy with suppression bursts; Ohtahara syndrome. Identifiers: Orphanet 1934, MedGen C0393706, MONDO:0800491.

Submission:

Labcorp Genetics (formerly Invitae), Labcorp
Classification: Uncertain significance for Early-infantile DEE. Last evaluated: 2022-03-14. Review status: criteria provided, single submitter. Criteria: Invitae Variant Classification Sherloc (09022015). Collection method: clinical testing. Allele origin: germline.
Comment: In summary, the available evidence is currently insufficient to determine the role of this variant in disease. Therefore, it has been classified as a Variant of Uncertain Significance. Algorithms developed to predict the effect of sequence changes on RNA splicing suggest that this variant may create or strengthen a splice site. This variant has not been reported in the literature in individuals affected with SCN8A-related conditions. This variant is not present in population databases (gnomAD no frequency). This sequence change affects codon 97 of the SCN8A mRNA. It is a 'silent' change, meaning that it does not change the encoded amino acid sequence of the SCN8A protein.